The following is an entry in ClinVar:

NM_001292063.2(OTOG):c.2890C>T (p.Gln964Ter)

Gene: OTOG (otogelin; plus strand). Cytogenetic location: 11p15.1.
Variant type: single nucleotide variant.
Coding change: c.2890C>T on transcript NM_001292063.2 (MANE Select); coding-DNA position 2890, C replaced by T.
Protein change: p.Gln964Ter; replaces glutamine 964 with a stop codon.
Molecular consequence: nonsense.
Genome position (GRCh38, 1-based): chr11:17,591,472, C>T. VCF-style: chr11-17591472-C-T. GRCh37 (hg19) VCF-style: chr11-17613019-C-T.
Other names: c.2926C>T, p.Gln976Ter (NM_001277269.2); short protein forms Q964*, Q976*.
Identifiers: ClinVar variation 4763055 (VCV004763055.1).

ClinVar aggregate classification (germline): Pathogenic (1 of 4 stars; one submission).

Submission:

Labcorp Genetics (formerly Invitae), Labcorp
Classification: Pathogenic. Last evaluated: 2025-09-27. Review status: criteria provided, single submitter. Criteria: Invitae Variant Classification Sherloc (09022015). Collection method: clinical testing. Allele origin: germline.
Comment: This sequence change creates a premature translational stop signal (p.Gln976*) in the OTOG gene. It is expected to result in an absent or disrupted protein product. Loss-of-function variants in OTOG are known to be pathogenic (PMID: 23122587). This variant is not present in population databases (gnomAD no frequency). This variant has not been reported in the literature in individuals affected with OTOG-related conditions. For these reasons, this variant has been classified as Pathogenic.

Literature cited by the submitters: PubMed 23122587.